The following is an entry in ClinVar:

ClinVar aggregate classification (germline): Uncertain significance. Review status: criteria provided, multiple submitters, no conflicts (2 of 4 stars). 2 submissions from 2 submitters: Uncertain significance (2). Last evaluated 2025-02-27.

Allele frequency attached by ClinVar (database versions not stated): gnomAD 0.00001; gnomAD exomes 0.00003; TOPMed 0.00003; ExAC 0.00004.
gnomAD v4.1: 36 of 1,562,746 alleles (0.0023%); highest among the groups gnomAD compares: South Asian, 0.0094%; no homozygotes.

Submissions (2):

Labcorp Genetics (formerly Invitae), Labcorp
Classification: Uncertain significance. Last evaluated: 2025-02-27. Review status: criteria provided, single submitter. Criteria: Invitae Variant Classification Sherloc (09022015). Collection method: clinical testing. Allele origin: germline.
Comment: This sequence change replaces glutamic acid, which is acidic and polar, with lysine, which is basic and polar, at codon 311 of the PLEKHM2 protein (p.Glu311Lys). The frequency data for this variant in the population databases is considered unreliable, as metrics indicate poor data quality at this position in the gnomAD database. This variant has not been reported in the literature in individuals affected with PLEKHM2-related conditions. ClinVar contains an entry for this variant (Variation ID: 478107). An algorithm developed to predict the effect of missense changes on protein structure and function (PolyPhen-2) suggests that this variant is likely to be disruptive. In summary, the available evidence is currently insufficient to determine the role of this variant in disease. Therefore, it has been classified as a Variant of Uncertain Significance.

Ambry Genetics
Classification: Uncertain significance. Last evaluated: 2024-06-13. Review status: criteria provided, single submitter. Criteria: Ambry Variant Classification Scheme 2023. Collection method: clinical testing. Allele origin: germline.

NM_015164.4(PLEKHM2):c.931G>A (p.Glu311Lys)

Gene: PLEKHM2 (pleckstrin homology and RUN domain containing M2; plus strand). Cytogenetic location: 1p36.21.
Variant type: single nucleotide variant.
Coding change: c.931G>A on transcript NM_015164.4 (MANE Select); coding-DNA position 931, G replaced by A.
Protein change: p.Glu311Lys; replaces glutamic acid 311 with lysine.
Molecular consequence: missense variant.
Genome position (GRCh38, 1-based): chr1:15,725,535, G>A. VCF-style: chr1-15725535-G-A. GRCh37 (hg19) VCF-style: chr1-16052030-G-A.
Other names: short protein forms E311K.
Identifiers: ClinVar variation 478107 (VCV000478107.9), dbSNP rs772148348, ClinGen allele CA616805.